The following is an entry in ClinVar:

NM_001458.5(FLNC):c.4475A>C (p.Glu1492Ala)

Gene: FLNC (filamin C; plus strand). Cytogenetic location: 7q32.1.
Variant type: single nucleotide variant.
Coding change: c.4475A>C on transcript NM_001458.5 (MANE Select); coding-DNA position 4475, A replaced by C.
Protein change: p.Glu1492Ala; replaces glutamic acid 1492 with alanine.
Molecular consequence: missense variant.
Genome position (GRCh38, 1-based): chr7:128,847,963, A>C. VCF-style: chr7-128847963-A-C. GRCh37 (hg19) VCF-style: chr7-128488017-A-C.
Other names: c.4475A>C, p.Glu1492Ala (NM_001127487.2); short protein forms E1492A.
Identifiers: ClinVar variation 1720571 (VCV001720571.6), dbSNP rs2536646380, ClinGen allele CA369201832.

ClinVar aggregate classification (germline): Uncertain significance (1 of 4 stars; one submission).

Conditions:
Myofibrillar myopathy 5. Also called: Filaminopathy (type); FILAMINOPATHY, AUTOSOMAL DOMINANT. Identifiers: Orphanet 171445, MedGen C1836050, MONDO:0012289, OMIM 609524.
Distal myopathy with posterior leg and anterior hand involvement. Also called: WILLIAMS DISTAL MYOPATHY. Identifiers: Orphanet 63273, MedGen C3279722, MONDO:0013550, OMIM 614065.
Hypertrophic cardiomyopathy 26. Also called: Cardiomyopathy, familial hypertrophic, 26. Identifiers: Orphanet 75249, MedGen C4310749, MONDO:0014883, OMIM 617047.

Submission:

Labcorp Genetics (formerly Invitae), Labcorp
Classification: Uncertain significance for Distal myopathy with posterior leg and anterior hand involvement; Myofibrillar myopathy 5; Hypertrophic cardiomyopathy 26. Last evaluated: 2024-02-25. Review status: criteria provided, single submitter. Criteria: Invitae Variant Classification Sherloc (09022015). Collection method: clinical testing. Allele origin: germline.
Comment: This sequence change replaces glutamic acid, which is acidic and polar, with alanine, which is neutral and non-polar, at codon 1492 of the FLNC protein (p.Glu1492Ala). This variant is not present in population databases (gnomAD no frequency). This variant has not been reported in the literature in individuals affected with FLNC-related conditions. ClinVar contains an entry for this variant (Variation ID: 1720571). Advanced modeling of protein sequence and biophysical properties (such as structural, functional, and spatial information, amino acid conservation, physicochemical variation, residue mobility, and thermodynamic stability) has been performed at Invitae for this missense variant, however the output from this modeling did not meet the statistical confidence thresholds required to predict the impact of this variant on FLNC protein function. In summary, the available evidence is currently insufficient to determine the role of this variant in disease. Therefore, it has been classified as a Variant of Uncertain Significance.